The following is an entry in ClinVar:

ClinVar aggregate classification (germline): Uncertain significance. Review status: criteria provided, multiple submitters, no conflicts (2 of 4 stars). 2 submissions from 2 submitters: Uncertain significance (2). Last evaluated 2025-01-22.

Conditions:
Inborn genetic diseases. Identifiers: MedGen C0950123, MeSH D030342.

Allele frequency attached by ClinVar (database versions not stated): ESP Exome Variant Server 0.00008.
gnomAD v4.1: 33 of 1,580,376 alleles (0.0021%); highest among the groups gnomAD compares: East Asian, 0.0046%; no homozygotes.

Submissions (2):

Ambry Genetics
Classification: Uncertain significance for Inborn genetic diseases. Last evaluated: 2025-01-22. Review status: criteria provided, single submitter. Criteria: Ambry Variant Classification Scheme 2023. Collection method: clinical testing. Allele origin: germline.

Labcorp Genetics (formerly Invitae), Labcorp
Classification: Uncertain significance. Last evaluated: 2023-01-02. Review status: criteria provided, single submitter. Criteria: Invitae Variant Classification Sherloc (09022015). Collection method: clinical testing. Allele origin: germline.
Comment: This sequence change replaces valine, which is neutral and non-polar, with methionine, which is neutral and non-polar, at codon 234 of the SLC26A1 protein (p.Val234Met). In summary, the available evidence is currently insufficient to determine the role of this variant in disease. Therefore, it has been classified as a Variant of Uncertain Significance. Advanced modeling of protein sequence and biophysical properties (such as structural, functional, and spatial information, amino acid conservation, physicochemical variation, residue mobility, and thermodynamic stability) performed at Invitae indicates that this missense variant is not expected to disrupt SLC26A1 protein function. This variant has not been reported in the literature in individuals affected with SLC26A1-related conditions. The frequency data for this variant in the population databases is considered unreliable, as metrics indicate poor data quality at this position in the gnomAD database.

NM_022042.4(SLC26A1):c.700G>A (p.Val234Met)

Genes: IDUA (alpha-L-iduronidase; plus strand), SLC26A1 (solute carrier family 26 member 1; minus strand). Cytogenetic location: 4p16.3.
Variant type: single nucleotide variant.
Coding change: c.700G>A on transcript NM_022042.4 (MANE Select); coding-DNA position 700, G replaced by A.
Protein change: p.Val234Met; replaces valine 234 with methionine.
Molecular consequence: missense variant. On other transcripts: intron variant (2).
Genome position (GRCh38, 1-based): chr4:990,239, C>T on the plus strand (G>A on the coding strand, the complement: SLC26A1 is on the minus strand). VCF-style: chr4-990239-C-T. GRCh37 (hg19) VCF-style: chr4-984027-C-T.
Other names: c.700G>A, p.Val234Met (NM_213613.4); c.576+889G>A (NM_134425.4); c.299+2290C>T (NM_000203.5); c.700G>A (NM_213613.2); short protein forms V234M.
Identifiers: ClinVar variation 3022340 (VCV003022340.4), dbSNP rs367665258, ClinGen allele CA2801572.